The following is an entry in ClinVar:

ClinVar aggregate classification (germline): Uncertain significance (1 of 4 stars; one submission).

Submission:

Women's Health and Genetics/Laboratory Corporation of America, LabCorp
Classification: Uncertain significance. Last evaluated: 2025-11-13. Review status: criteria provided, single submitter. Criteria: LabCorp Variant Classification Summary - May 2015. Collection method: clinical testing. Allele origin: germline.
Comment: Variant summary: CDKL5 c.2596C>G (p.Gln866Glu) results in a conservative amino acid change in the encoded protein sequence. Algorithms developed to predict the effect of missense changes on protein structure and function are either unavailable or do not agree on the potential impact of this missense change. The variant was absent in 183492 control chromosomes. The available data on variant occurrences in the general population are insufficient to allow any conclusion about variant significance. To our knowledge, no occurrence of c.2596C>G in individuals affected with CDKL5-related conditions and no experimental evidence demonstrating its impact on protein function have been reported. ClinVar contains an entry for this variant (Variation ID: 3069002). Based on the evidence outlined above, the variant was classified as uncertain significance.

NM_001323289.2(CDKL5):c.2596C>G (p.Gln866Glu)

Gene: CDKL5 (cyclin dependent kinase like 5; plus strand). Cytogenetic location: Xp22.13.
Variant type: single nucleotide variant.
Coding change: c.2596C>G on transcript NM_001323289.2 (MANE Select); coding-DNA position 2596, C replaced by G.
Protein change: p.Gln866Glu; replaces glutamine 866 with glutamic acid.
Molecular consequence: missense variant.
Genome position (GRCh38, 1-based): chrX:18,628,470, C>G. VCF-style: chrX-18628470-C-G. GRCh37 (hg19) VCF-style: chrX-18646590-C-G.
Other names: c.2596C>G, p.Gln866Glu (NM_001037343.2, NM_003159.3); short protein forms Q866E.
Identifiers: ClinVar variation 3069002 (VCV003069002.3), dbSNP rs587783158, ClinGen allele CA412367398.